The following is an entry in ClinVar:

NM_001458.5(FLNC):c.6629C>A (p.Ser2210Tyr)

Genes: FLNC (filamin C; plus strand), FLNC-AS1 (FLNC antisense RNA 1; minus strand). Cytogenetic location: 7q32.1.
Variant type: single nucleotide variant.
Coding change: c.6629C>A on transcript NM_001458.5 (MANE Select); coding-DNA position 6629, C replaced by A.
Protein change: p.Ser2210Tyr; replaces serine 2210 with tyrosine.
Molecular consequence: missense variant.
Genome position (GRCh38, 1-based): chr7:128,854,118, C>A. VCF-style: chr7-128854118-C-A. GRCh37 (hg19) VCF-style: chr7-128494172-C-A.
Other names: c.6530C>A, p.Ser2177Tyr (NM_001127487.2); short protein forms S2177Y, S2210Y.
Identifiers: ClinVar variation 3515949 (VCV003515949.1).

ClinVar aggregate classification (germline): Uncertain significance (1 of 4 stars; one submission).

Conditions:
Cardiovascular phenotype. Identifiers: MedGen CN230736.

Submission:

Ambry Genetics
Classification: Uncertain significance for Cardiovascular phenotype. Last evaluated: 2024-09-23. Review status: criteria provided, single submitter. Criteria: Ambry Variant Classification Scheme 2023. Collection method: clinical testing. Allele origin: germline.
Comment: The p.S2210Y variant (also known as c.6629C>A), located in coding exon 40 of the FLNC gene, results from a C to A substitution at nucleotide position 6629. The serine at codon 2210 is replaced by tyrosine, an amino acid with dissimilar properties. This amino acid position is conserved. In addition, the in silico prediction for this alteration is inconclusive. Based on the available evidence, the clinical significance of this variant remains unclear.